The following is an entry in ClinVar:

ClinVar aggregate classification (germline): Likely benign. Review status: criteria provided, multiple submitters, no conflicts (2 of 4 stars). 4 submissions from 4 submitters: Likely benign (3). 1 of the submissions does not count toward it. Last evaluated 2025-10-05.

Conditions:
TMPO-related disorder. Also called: TMPO-related condition.
Loeys-Dietz syndrome 2 (LDS2). Also called: TGFBR2-Related Loeys-Dietz Syndrome; Marfan syndrome, type 2 (formerly); Marfan Syndrome type 2; Marfan like connective tissue disorder; MFS 2; AORTIC ANEURYSM, FAMILIAL THORACIC 3. Identifiers: Orphanet 284973, Orphanet 558, MedGen C2674574, MONDO:0012427, OMIM 610168.

Allele frequency attached by ClinVar (database versions not stated): gnomAD exomes 0.00001; TOPMed 0.00001; ExAC 0.00002; gnomAD 0.00002; ESP Exome Variant Server 0.00008.
gnomAD v4.1: 12 of 1,613,604 alleles (0.00074%); highest among the groups gnomAD compares: African/African-American, 0.0027%; no homozygotes.

Submissions (4):

Labcorp Genetics (formerly Invitae), Labcorp
Classification: Likely benign for Loeys-Dietz syndrome 2. Last evaluated: 2025-10-05. Review status: criteria provided, single submitter. Criteria: Invitae Variant Classification Sherloc (09022015). Collection method: clinical testing. Allele origin: germline.

Ambry Genetics
Classification: Likely benign. Last evaluated: 2022-12-23. Review status: criteria provided, single submitter. Criteria: Ambry Variant Classification Scheme 2023. Collection method: clinical testing. Allele origin: germline.

Women's Health and Genetics/Laboratory Corporation of America, LabCorp
Classification: Likely benign. Last evaluated: 2019-08-29. Review status: criteria provided, single submitter. Criteria: LabCorp Variant Classification Summary - May 2015. Collection method: clinical testing. Allele origin: germline.

PreventionGenetics, part of Exact Sciences
Classification: Likely benign for TMPO-related condition. Last evaluated: 2019-06-12. Review status: no assertion criteria provided. Collection method: clinical testing. Allele origin: germline. Not counted in ClinVar's aggregate classification.
Comment: This variant is classified as likely benign based on ACMG/AMP sequence variant interpretation guidelines (Richards et al. 2015 PMID: 25741868, with internal and published modifications).

NM_001032283.3(TMPO):c.565+1232C>T

Gene: TMPO (thymopoietin; plus strand). Cytogenetic location: 12q23.1.
Variant type: single nucleotide variant.
Coding change: c.565+1232C>T on transcript NM_001032283.3 (MANE Select); 1232 bases into the intron after coding-DNA position 565, C replaced by T.
Molecular consequence: intron variant. On other transcripts: synonymous variant (1).
Genome position (GRCh38, 1-based): chr12:98,533,070, C>T. VCF-style: chr12-98533070-C-T. GRCh37 (hg19) VCF-style: chr12-98926848-C-T.
Other names: c.813C>T, p.Ala271= (NM_003276.2); c.565+1232C>T (NM_001307975.2, NM_001032284.3).
Identifiers: ClinVar variation 239535 (VCV000239535.15), dbSNP rs369897433, ClinGen allele CA6732289.